The following is an entry in ClinVar:

NM_000245.4(MET):c.3632+5G>A

Gene: MET (MET proto-oncogene, receptor tyrosine kinase; plus strand). Cytogenetic location: 7q31.2.
Variant type: single nucleotide variant.
Coding change: c.3632+5G>A on transcript NM_000245.4 (MANE Select); 5 bases into the intron after coding-DNA position 3632, G replaced by A.
Molecular consequence: intron variant.
Genome position (GRCh38, 1-based): chr7:116,782,102, G>A. VCF-style: chr7-116782102-G-A. GRCh37 (hg19) VCF-style: chr7-116422156-G-A.
Other names: c.3686+5G>A (NM_001127500.3); c.2342+5G>A (NM_001324402.2).
Identifiers: ClinVar variation 4106804 (VCV004106804.1).
Genomic context (GRCh38, chr7:116,782,102, plus strand): 5'-AAATATCTTGCAAGCAAAAAGTTTGTCCACAGAGACTTGGCTGCAAGAAACTGTATGTAA[G>A]TATCAGAATCTCTGTGCCACAATCCAAATTAAGTGACAAGGAGGAATCTGTTTCCCACTG-3'

ClinVar aggregate classification (germline): Uncertain significance (1 of 4 stars; one submission).

Conditions:
Hereditary cancer-predisposing syndrome. Also called: Tumor predisposition; Neoplastic Syndromes, Hereditary; Hereditary neoplastic syndrome; Hereditary Cancer Syndrome. Identifiers: Orphanet 140162, MedGen C0027672, MeSH D009386, MONDO:0015356.

Submission:

Ambry Genetics
Classification: Uncertain significance for Hereditary cancer-predisposing syndrome. Last evaluated: 2025-09-02. Review status: criteria provided, single submitter. Criteria: Ambry Variant Classification Scheme 2023. Collection method: clinical testing. Allele origin: germline.
Comment: The c.3686+5G>A intronic variant results from a G to A substitution 5 nucleotides after coding exon 17 in the MET gene. This nucleotide position is highly conserved in available vertebrate species. In silico splice site analysis predicts that this alteration will weaken the native splice donor site. Based on the available evidence, the clinical significance of this variant remains unclear.